The following is an entry in ClinVar:

ClinVar aggregate classification (germline): Likely benign. Review status: criteria provided, multiple submitters, no conflicts (2 of 4 stars). 3 submissions from 3 submitters: Likely benign (3). Last evaluated 2025-02-03.

Conditions:
USH1C-related disorder. Also called: USH1C-related condition.

Allele frequency attached by ClinVar (database versions not stated): TOPMed 0.00008.
gnomAD v4.1: 52 of 1,597,854 alleles (0.0033%); highest among the groups gnomAD compares: Admixed American, 0.0069%; no homozygotes.

Submissions (3):

PreventionGenetics, part of Exact Sciences
Classification: Likely benign for USH1C-related condition. Last evaluated: 2025-02-03. Review status: criteria provided, single submitter. Criteria: ACMG Guidelines, 2015. Collection method: clinical testing. Allele origin: germline.
Comment: This variant is classified as likely benign based on ACMG/AMP sequence variant interpretation guidelines (Richards et al. 2015 PMID: 25741868, with internal and published modifications).

Blueprint Genetics
Classification: Likely benign. Last evaluated: 2024-04-11. Review status: criteria provided, single submitter. Criteria: ACMG Guidelines, 2015. Collection method: clinical testing. Allele origin: germline.

Laboratory for Molecular Medicine, Mass General Brigham Personalized Medicine
Classification: Likely benign. Last evaluated: 2017-08-23. Review status: criteria provided, single submitter. Criteria: LMM Criteria. Collection method: clinical testing. Allele origin: germline. Observed: 1 variant allele.
Comment: p.Ser589Ser in exon 18 of USH1C: This variant is not expected to have clinical s ignificance because it does not alter an amino acid residue and is not located w ithin the splice consensus sequence. It has been identified in 0.01% (6/48710) o f European chromosomes by the Exome Aggregation Consortium (ExAC; dbSNP rs770217616).

NM_153676.4(USH1C):c.1767C>T (p.Ser589=)

Gene: USH1C (USH1 protein network component harmonin; minus strand). Cytogenetic location: 11p15.1.
Variant type: single nucleotide variant.
Coding change: c.1767C>T on transcript NM_153676.4 (MANE Select); coding-DNA position 1767, C replaced by T.
Protein change: p.Ser589=; no amino-acid change (serine 589 retained).
Molecular consequence: synonymous variant. On other transcripts: intron variant (2).
Genome position (GRCh38, 1-based): chr11:17,509,602, G>A on the plus strand (C>T on the coding strand, the complement: USH1C is on the minus strand). VCF-style: chr11-17509602-G-A. GRCh37 (hg19) VCF-style: chr11-17531149-G-A.
Other names: c.1228-7622C>T (NM_001297764.2); c.1285-7622C>T (NM_005709.4).
Identifiers: ClinVar variation 667179 (VCV000667179.6), dbSNP rs770217616, ClinGen allele CA5904451.